The following is an entry in ClinVar:

NM_003097.6(SNRPN):c.-391+13G>A

Genes: SNHG14 (small nucleolar RNA host gene 14; plus strand), SNRPN (small nuclear ribonucleoprotein polypeptide N; plus strand), SNURF (SNRPN upstream open reading frame; plus strand). Cytogenetic location: 15q11.2.
Variant type: single nucleotide variant.
Coding change: c.-391+13G>A on transcript NM_003097.6 (MANE Select); 13 bases into the intron after 391 bases upstream of the start codon, G replaced by A.
Molecular consequence: intron variant. On other transcripts: 5 prime UTR variant (2).
Genome position (GRCh38, 1-based): chr15:24,955,075, G>A. VCF-style: chr15-24955075-G-A. GRCh37 (hg19) VCF-style: chr15-25200222-G-A.
Other names: c.-390-7039G>A (NM_001349459.2, NM_001400735.1, NM_001400688.1 and 40 more transcripts); c.-521-3663G>A (NM_001400743.1, NM_001400693.1, NM_001400644.1 and 10 more transcripts); c.-391+4385G>A (NM_001400738.1, NM_001400643.1, NM_001400683.1 and 13 more transcripts); c.-240+4385G>A (NM_001400698.1); c.-338-7039G>A (NM_001400744.1); c.-514-7039G>A (NM_001400696.1); c.-239-7039G>A (NM_001400737.1, NM_001400634.1, NM_001400756.1); c.-317-12857G>A (NM_001400697.1); and 26 more.
Identifiers: ClinVar variation 3902696 (VCV003902696.1).

ClinVar aggregate classification (germline): Uncertain significance (1 of 4 stars; one submission).

gnomAD v4.1: 182 of 1,613,408 alleles (0.011%); highest among the groups gnomAD compares: Non-Finnish European, 0.015%; no homozygotes.

Submission:

Women's Health and Genetics/Laboratory Corporation of America, LabCorp
Classification: Uncertain significance. Last evaluated: 2025-05-27. Review status: criteria provided, single submitter. Criteria: LabCorp Variant Classification Summary - May 2015. Collection method: clinical testing. Allele origin: germline.
Comment: Variant summary: SNRPN c.-391+13G>A is located in the untranslated mRNA region upstream of the initiation codon. Consensus agreement among computation tools predict no significant impact on normal splicing. However, these predictions have yet to be confirmed by functional studies. The variant allele was found at a frequency of 3.6e-05 in 248314 control chromosomes. The available data on variant occurrences in the general population are insufficient to allow any conclusion about variant significance. To our knowledge, no occurrence of c.-391+13G>A in individuals affected with Angelman Syndrome and no experimental evidence demonstrating its impact on protein function have been reported. No submitters have cited clinical-significance assessments for this variant to ClinVar. Based on the evidence outlined above, the variant was classified as uncertain significance.